The following is an entry in ClinVar:

ClinVar aggregate classification (germline): Likely benign (1 of 4 stars; one submission).

Conditions:
PLXNA3-related disorder. Also called: PLXNA3-related condition.

gnomAD v4.1: 7 of 1,207,646 alleles (0.00058%); highest among the groups gnomAD compares: Admixed American, 0.011%; no homozygotes.

Submission:

PreventionGenetics, part of Exact Sciences
Classification: Likely benign for PLXNA3-related condition. Last evaluated: 2026-06-25. Review status: criteria provided, single submitter. Criteria: ACMG Guidelines, 2015. Collection method: clinical testing. Allele origin: germline.
Comment: This variant is classified as likely benign based on ACMG/AMP sequence variant interpretation guidelines (Richards et al. 2015 PMID: 25741868, with internal and published modifications).

NM_017514.5(PLXNA3):c.4220+9C>T

Gene: PLXNA3 (plexin A3; plus strand). Cytogenetic location: Xq28.
Variant type: single nucleotide variant.
Coding change: c.4220+9C>T on transcript NM_017514.5 (MANE Select); 9 bases into the intron after coding-DNA position 4220, C replaced by T.
Molecular consequence: intron variant.
Genome position (GRCh38, 1-based): chrX:154,468,568, C>T. VCF-style: chrX-154468568-C-T. GRCh37 (hg19) VCF-style: chrX-153696911-C-T.
Identifiers: ClinVar variation 4986977 (VCV004986977.1).